The following is an entry in ClinVar:

NM_019098.5(CNGB3):c.2301_2304dup (p.Ser769fs)

Gene: CNGB3 (cyclic nucleotide gated channel subunit beta 3; minus strand). Cytogenetic location: 8q21.3.
Variant type: Duplication.
Coding change: c.2301_2304dup on transcript NM_019098.5 (MANE Select); coding-DNA positions 2301 to 2304, 4 bases duplicated (CCAC; older notation c.2301_2304dupCCAC).
Protein change: p.Ser769fs; shifts the reading frame from serine 769.
Molecular consequence: frameshift variant.
Genome position (GRCh38, 1-based): chr8:86,575,930-86,575,933, GTGG duplicated on the plus strand (CCAC on the coding strand, the reverse complement: CNGB3 is on the minus strand); duplicating any 4 consecutive bases within chr8:86,575,930-86,575,934 gives the same sequence; the c. name uses the placement nearest the transcript's 3' end. VCF-style (leftmost placement, unchanged base first): chr8-86575929-A-AGTGG. GRCh37 (hg19) VCF-style: chr8-87588157-A-AGTGG.
Other names: c.2301_2304dupCCAC (NM_019098.5, NM_019098.4); short protein forms S769fs.
Identifiers: ClinVar variation 555632 (VCV000555632.9), dbSNP rs199570140, ClinGen allele CA4799754.

ClinVar aggregate classification (germline): Conflicting classifications of pathogenicity. Review status: criteria provided, conflicting classifications (1 of 4 stars). 5 submissions from 5 submitters: Likely pathogenic (2); Uncertain significance (1); Likely benign (1). 1 of the submissions does not count toward it. Last evaluated 2026-04-16.

Conditions:
CNGB3-related disorder. Also called: CNGB3-related disorders; CNGB3-related condition. Identifiers: MedGen CN239340.
Achromatopsia 3 (ACHM3). Also called: ACHROMATOPSIA WITH MYOPIA; PINGELAPESE BLINDNESS; TOTAL COLORBLINDNESS WITH MYOPIA; ROD MONOCHROMACY 1; ROD MONOCHROMATISM 1. Identifiers: Orphanet 49382, MedGen C1849792, MONDO:0009875, OMIM 262300.

Submissions (5):

Women's Health and Genetics/Laboratory Corporation of America, LabCorp
Classification: Uncertain significance. Last evaluated: 2026-04-16. Review status: criteria provided, single submitter. Criteria: LabCorp Variant Classification Summary - May 2015. Collection method: clinical testing. Allele origin: germline.
Comment: Variant summary: CNGB3 c.2301_2304dupCCAC (p.Ser769ProfsX4) results in a premature termination codon, predicted to cause a truncation of the encoded protein and not anticipated to result in nonsense mediated decay. The variant allele was found at a frequency of 3.2e-05 in 251204 control chromosomes (gnomAD). The available data on variant occurrences in the general population are insufficient to allow any conclusion about variant significance. To our knowledge, no occurrence of c.2301_2304dupCCAC in individuals affected with CNGB3-related conditions and no experimental evidence demonstrating its impact on protein function have been reported. ClinVar contains an entry for this variant (Variation ID: 555632). Based on the evidence outlined above, the variant was classified as uncertain significance.

Labcorp Genetics (formerly Invitae), Labcorp
Classification: Likely benign. Last evaluated: 2026-01-11. Review status: criteria provided, single submitter. Criteria: Invitae Variant Classification Sherloc (09022015). Collection method: clinical testing. Allele origin: germline.

Fulgent Genetics
Classification: Likely pathogenic for Achromatopsia 3. Last evaluated: 2024-04-23. Review status: criteria provided, single submitter. Criteria: ACMG Guidelines, 2015. Collection method: clinical testing. Allele origin: germline.

Blueprint Genetics
Classification: Likely pathogenic for CNGB3-related disorders. Last evaluated: 2023-03-13. Review status: criteria provided, single submitter. Criteria: ACMG Guidelines, 2015. Collection method: clinical testing. Allele origin: germline. Affected: yes. Observed: 5 variant alleles.

Counsyl
Classification: Uncertain significance for Achromatopsia 3. Last evaluated: 2017-12-14. Review status: no assertion criteria provided. Collection method: clinical testing. Allele origin: unknown. Not counted in ClinVar's aggregate classification.